The following is an entry in ClinVar:

ClinVar aggregate classification (germline): Uncertain significance. Review status: criteria provided, multiple submitters, no conflicts (2 of 4 stars). 2 submissions from 2 submitters: Uncertain significance (2). Last evaluated 2025-12-17.

Conditions:
Cardiomyopathy (CMYO). Also called: Cardiomyopathies. Identifiers: Orphanet 167848, MedGen C0878544, MONDO:0004994, HP:0001638. Inheritance: Various modes of inheritance.
Arrhythmogenic cardiomyopathy with wooly hair and keratoderma. Also called: PALMOPLANTAR KERATODERMA WITH LEFT VENTRICULAR CARDIOMYOPATHY AND WOOLLY HAIR; Carvajal syndrome; Dilated cardiomyopathy with woolly hair and keratoderma; Arrhythmogenic cardiomyopathy with woolly hair and keratoderma. Identifiers: Orphanet 65282, MedGen C1854063, MONDO:0011581, OMIM 605676.
Arrhythmogenic right ventricular dysplasia 8 (ARVD8). Also called: Arrhythmogenic Right Ventricular Dysplasia/Cardiomyopathy 8; ARRHYTHMOGENIC RIGHT VENTRICULAR DYSPLASIA, FAMILIAL, 8; ARRHYTHMOGENIC RIGHT VENTRICULAR CARDIOMYOPATHY 8. Identifiers: MedGen C1843896, MONDO:0011831, OMIM 607450.

Allele frequency attached by ClinVar (database versions not stated): gnomAD 0.00001; gnomAD exomes 0.00001; TOPMed 0.00001.
gnomAD v4.1: 16 of 1,611,090 alleles (0.00099%); highest among the groups gnomAD compares: Non-Finnish European, 0.0014%; no homozygotes.

Submissions (2):

Labcorp Genetics (formerly Invitae), Labcorp
Classification: Uncertain significance for Arrhythmogenic cardiomyopathy with wooly hair and keratoderma; Arrhythmogenic right ventricular dysplasia 8. Last evaluated: 2025-12-17. Review status: criteria provided, single submitter. Criteria: Invitae Variant Classification Sherloc (09022015). Collection method: clinical testing. Allele origin: germline.
Comment: This sequence change replaces aspartic acid, which is acidic and polar, with glycine, which is neutral and non-polar, at codon 2851 of the DSP protein (p.Asp2851Gly). This variant is not present in population databases (gnomAD no frequency). This variant has not been reported in the literature in individuals affected with DSP-related conditions. ClinVar contains an entry for this variant (Variation ID: 2144411). An algorithm developed to predict the effect of missense changes on protein structure and function (PolyPhen-2) suggests that this variant is likely to be disruptive. In summary, the available evidence is currently insufficient to determine the role of this variant in disease. Therefore, it has been classified as a Variant of Uncertain Significance.

Color Diagnostics, LLC DBA Color Health
Classification: Uncertain significance for Cardiomyopathy. Last evaluated: 2023-11-01. Review status: criteria provided, single submitter. Criteria: ACMG Guidelines, 2015. Collection method: clinical testing. Allele origin: germline.
Comment: This missense variant replaces aspartic acid with glycine at codon 2851 of the DSP protein. Computational prediction is inconclusive regarding the impact of this variant on protein structure and function. To our knowledge, functional studies have not been reported for this variant. This variant has not been reported in individuals affected with DSP-related disorders in the literature. This variant has not been identified in the general population by the Genome Aggregation Database (gnomAD). The available evidence is insufficient to determine the role of this variant in disease conclusively. Therefore, this variant is classified as a Variant of Uncertain Significance.

NM_004415.4(DSP):c.8552A>G (p.Asp2851Gly)

Gene: DSP (desmoplakin; plus strand). Cytogenetic location: 6p24.3.
Variant type: single nucleotide variant.
Coding change: c.8552A>G on transcript NM_004415.4 (MANE Select); coding-DNA position 8552, A replaced by G.
Protein change: p.Asp2851Gly; replaces aspartic acid 2851 with glycine.
Molecular consequence: missense variant.
Genome position (GRCh38, 1-based): chr6:7,585,814, A>G. VCF-style: chr6-7585814-A-G. GRCh37 (hg19) VCF-style: chr6-7586047-A-G.
Other names: c.6755A>G, p.Asp2252Gly (NM_001008844.3); c.7223A>G, p.Asp2408Gly (NM_001319034.2); short protein forms D2252G, D2851G, D2408G.
Identifiers: ClinVar variation 2144411 (VCV002144411.5), dbSNP rs1377866897, ClinGen allele CA362695364.